The following is an entry in ClinVar:

ClinVar aggregate classification (germline): Uncertain significance (1 of 4 stars; one submission).

Allele frequency attached by ClinVar (database versions not stated): TOPMed below 0.00001; gnomAD 0.00001; gnomAD exomes 0.00001.
gnomAD v4.1: 12 of 1,614,046 alleles (0.00074%); highest among the groups gnomAD compares: Non-Finnish European, 0.00085%; no homozygotes.

Submission:

Ambry Genetics
Classification: Uncertain significance. Last evaluated: 2024-09-19. Review status: criteria provided, single submitter. Criteria: Ambry Variant Classification Scheme 2023. Collection method: clinical testing. Allele origin: germline.
Comment: The p.A11V variant (also known as c.32C>T), located in coding exon 1 of the MLH3 gene, results from a C to T substitution at nucleotide position 32. The alanine at codon 11 is replaced by valine, an amino acid with similar properties. This amino acid position is not well conserved in available vertebrate species. In addition, the in silico prediction for this alteration is inconclusive. The evidence for this gene-disease relationship is limited; therefore, the clinical significance of this alteration is unclear.

NM_001040108.2(MLH3):c.32C>T (p.Ala11Val)

Gene: MLH3 (mutL homolog 3; minus strand). Cytogenetic location: 14q24.3.
Variant type: single nucleotide variant.
Coding change: c.32C>T on transcript NM_001040108.2 (MANE Select); coding-DNA position 32, C replaced by T.
Protein change: p.Ala11Val; replaces alanine 11 with valine.
Molecular consequence: missense variant.
Genome position (GRCh38, 1-based): chr14:75,049,624, G>A on the plus strand (C>T on the coding strand, the complement: MLH3 is on the minus strand). VCF-style: chr14-75049624-G-A. GRCh37 (hg19) VCF-style: chr14-75516327-G-A.
Other names: c.32C>T, p.Ala11Val (NM_014381.3); short protein forms A11V.
Identifiers: ClinVar variation 1729951 (VCV001729951.3), dbSNP rs1207858644, ClinGen allele CA390451928.